The following is an entry in ClinVar:

NM_000035.4(ALDOB):c.172C>T (p.Gln58Ter)

Gene: ALDOB (aldolase, fructose-bisphosphate B; minus strand). Cytogenetic location: 9q31.1.
Variant type: single nucleotide variant.
Coding change: c.172C>T on transcript NM_000035.4 (MANE Select); coding-DNA position 172, C replaced by T.
Protein change: p.Gln58Ter; replaces glutamine 58 with a stop codon.
Molecular consequence: nonsense.
Genome position (GRCh38, 1-based): chr9:101,429,907, G>A on the plus strand (C>T on the coding strand, the complement: ALDOB is on the minus strand). VCF-style: chr9-101429907-G-A. GRCh37 (hg19) VCF-style: chr9-104192189-G-A.
Other names: short protein forms Q58*.
Identifiers: ClinVar variation 983980 (VCV000983980.3), dbSNP rs1831192129, ClinGen allele CA374265953.

ClinVar aggregate classification (germline): Likely pathogenic (1 of 4 stars; one submission).

Conditions:
Hereditary fructosuria. Also called: Hereditary fructose intolerance; ALDOB DEFICIENCY; ALDOLASE B DEFICIENCY; FRUCTOSE-1,6-BISPHOSPHATE ALDOLASE B DEFICIENCY; FRUCTOSE-1-PHOSPHATE ALDOLASE DEFICIENCY; FRUCTOSEMIA. Identifiers: Orphanet 469, MedGen C0016751, MONDO:0009249, OMIM 229600, HP:0005973. Disease mechanism: loss of function.

Submission:

Myriad Genetics, Inc.
Classification: Likely pathogenic for Hereditary fructosuria. Last evaluated: 2019-11-27. Review status: criteria provided, single submitter. Criteria: Myriad Women's Health Autosomal Recessive and X-Linked Classification Criteria (2019). Collection method: clinical testing. Allele origin: unknown.
Comment: NM_000035.3(ALDOB):c.172C>T(Q58*) is expected to be pathogenic in the context of hereditary fructose intolerance. This variant is predicted to lead to an abnormal or absent protein product due to the creation of a premature termination codon in ALDOB, a gene where loss-of-function variants are known to be pathogenic. Please note: this variant was assessed in the context of healthy population screening.